The following is an entry in ClinVar:

ClinVar aggregate classification (germline): Uncertain significance. Review status: criteria provided, multiple submitters, no conflicts (2 of 4 stars). 2 submissions from 2 submitters: Uncertain significance (2). Last evaluated 2025-02-03.

Conditions:
Inborn genetic diseases. Identifiers: MedGen C0950123, MeSH D030342.
Peroxisome biogenesis disorder 9B. Also called: PEX7-Related Refsum Disease; Refsum disease, adult, 2; PEROXISOME BIOGENESIS DISORDER, PEX7-RELATED, ATYPICAL. Identifiers: Orphanet 773, MedGen C2749346, MONDO:0013945, OMIM 614879.

Allele frequency attached by ClinVar (database versions not stated): gnomAD exomes 0.00001.
gnomAD v4.1: 9 of 1,611,052 alleles (0.00056%); highest among the groups gnomAD compares: Non-Finnish European, 0.00068%; no homozygotes.

Submissions (2):

Labcorp Genetics (formerly Invitae), Labcorp
Classification: Uncertain significance for Peroxisome biogenesis disorder 9B. Last evaluated: 2025-02-03. Review status: criteria provided, single submitter. Criteria: Invitae Variant Classification Sherloc (09022015). Collection method: clinical testing. Allele origin: germline.
Comment: This sequence change replaces valine, which is neutral and non-polar, with leucine, which is neutral and non-polar, at codon 128 of the PEX7 protein (p.Val128Leu). This variant is present in population databases (no rsID available, gnomAD 0.002%). This variant has not been reported in the literature in individuals affected with PEX7-related conditions. ClinVar contains an entry for this variant (Variation ID: 1929260). An algorithm developed to predict the effect of missense changes on protein structure and function (PolyPhen-2) suggests that this variant¬†is likely to be tolerated. In summary, the available evidence is currently insufficient to determine the role of this variant in disease. Therefore, it has been classified as a Variant of Uncertain Significance.

Ambry Genetics
Classification: Uncertain significance for Inborn genetic diseases. Last evaluated: 2024-02-13. Review status: criteria provided, single submitter. Criteria: Ambry Variant Classification Scheme 2023. Collection method: clinical testing. Allele origin: germline.

NM_000288.4(PEX7):c.382G>C (p.Val128Leu)

Gene: PEX7 (peroxisomal biogenesis factor 7; plus strand). Cytogenetic location: 6q23.3.
Variant type: single nucleotide variant.
Coding change: c.382G>C on transcript NM_000288.4 (MANE Select); coding-DNA position 382, G replaced by C.
Protein change: p.Val128Leu; replaces valine 128 with leucine.
Molecular consequence: missense variant.
Genome position (GRCh38, 1-based): chr6:136,845,657, G>C. VCF-style: chr6-136845657-G-C. GRCh37 (hg19) VCF-style: chr6-137166795-G-C.
Other names: c.268G>C, p.Val90Leu (NM_001410945.1); c.382G>C (NM_000288.3); short protein forms V90L, V128L.
Identifiers: ClinVar variation 1929260 (VCV001929260.4), dbSNP rs1046525626, ClinGen allele CA148643331.